The following is an entry in ClinVar:

NM_181458.4(PAX3):c.1036T>C (p.Ser346Pro)

Genes: PAX3 (paired box 3; minus strand), LOC126806529 (CDK7 strongly-dependent group 2 enhancer GRCh37_chr2:223084735-223085934; plus strand). Cytogenetic location: 2q36.1.
Variant type: single nucleotide variant.
Coding change: c.1036T>C on transcript NM_181458.4 (MANE Select); coding-DNA position 1036, T replaced by C.
Protein change: p.Ser346Pro; replaces serine 346 with proline.
Molecular consequence: missense variant.
Genome position (GRCh38, 1-based): chr2:222,220,277, A>G on the plus strand (T>C on the coding strand, the complement: PAX3 is on the minus strand). VCF-style: chr2-222220277-A-G. GRCh37 (hg19) VCF-style: chr2-223084996-A-G.
Other names: c.1033T>C, p.Ser345Pro (NM_001127366.3); c.1036T>C, p.Ser346Pro (NM_181457.4, NM_181459.4, NM_181460.4 and 1 more transcripts); short protein forms S345P, S346P.
Identifiers: ClinVar variation 1306788 (VCV001306788.4), dbSNP rs778178524, ClinGen allele CA2135513.
Genomic context (GRCh38, chr2:222,220,277, plus strand): 5'-AGCTGGAAAATCCATGCCTGGTGCTGGGGAGGCAGTAGGCAGAGCTGCTGTCTGGGTTGG[A>G]AGGAATCGTGCTTTGGTGTACAGTGCTTGGAGGAAGCGGTTGAGGTCTGTGAACGGTGCT-3'
Protein context (NP_852123.1, residues 336-356): PSTVHQSTIP[Ser346Pro]NPDSSSAYCL

ClinVar aggregate classification (germline): Uncertain significance. Review status: criteria provided, multiple submitters, no conflicts (2 of 4 stars). 3 submissions from 3 submitters: Uncertain significance (3). Last evaluated 2023-06-05.

Conditions:
Alveolar rhabdomyosarcoma (RMS2). Also called: Alveolar rhabdomyosarcoma (disease); RHABDOMYOSARCOMA 2. Identifiers: Orphanet 780, Orphanet 99756, MedGen C0206655, MONDO:0009994, OMIM 268220, HP:0006779.
Waardenburg syndrome type 1 (WS1). Also called: Waardenburg Syndrome Type I; WAARDENBURG SYNDROME WITH DYSTOPIA CANTHORUM. Identifiers: Orphanet 894, MedGen C1847800, MONDO:0008670, OMIM 193500.
Craniofacial-deafness-hand syndrome (CDHS). Identifiers: Orphanet 1529, MedGen C1852510, MONDO:0007395, OMIM 122880.
Waardenburg syndrome type 3 (WS3). Also called: Klein-Waardenberg's syndrome; KLEIN-WAARDENBURG SYNDROME; WAARDENBURG SYNDROME WITH UPPER LIMB ANOMALIES. Identifiers: Orphanet 3440, Orphanet 896, MedGen C0079661, MONDO:0007862, OMIM 148820.

Allele frequency attached by ClinVar (database versions not stated): ExAC 0.00001; gnomAD 0.00001; gnomAD exomes 0.00001 and 0.00003; TOPMed 0.00003.
gnomAD v4.1: 44 of 1,613,950 alleles (0.0027%); highest among the groups gnomAD compares: Non-Finnish European, 0.0037%; no homozygotes.

Submissions (3):

Blueprint Genetics
Classification: Uncertain significance. Last evaluated: 2023-06-05. Review status: criteria provided, single submitter. Criteria: ACMG Guidelines, 2015. Collection method: clinical testing. Allele origin: germline.

Fulgent Genetics
Classification: Uncertain significance for Craniofacial-deafness-hand syndrome; Waardenburg syndrome type 3; Waardenburg syndrome type 1; Alveolar rhabdomyosarcoma. Last evaluated: 2021-12-09. Review status: criteria provided, single submitter. Criteria: ACMG Guidelines, 2015. Collection method: clinical testing. Allele origin: unknown.

GeneDx
Classification: Uncertain significance. Last evaluated: 2019-07-08. Review status: criteria provided, single submitter. Criteria: GeneDx Variant Classification Process June 2021. Collection method: clinical testing. Allele origin: germline. Affected: yes.
Comment: Identified in a fetus with myelomeningocele associated with Arnold Chiari malformation in the published literature (Beaumont et al., 2019); In silico analysis, which includes protein predictors and evolutionary conservation, supports that this variant does not alter protein structure/function; This variant is associated with the following publications: (PMID: 30838450)